The following is an entry in ClinVar:

NM_000038.6(APC):c.4909G>T (p.Asp1637Tyr)

Gene: APC (APC regulator of Wnt signaling pathway; plus strand). Cytogenetic location: 5q22.2.
Variant type: single nucleotide variant.
Coding change: c.4909G>T on transcript NM_000038.6 (MANE Select); coding-DNA position 4909, G replaced by T.
Protein change: p.Asp1637Tyr; replaces aspartic acid 1637 with tyrosine.
Molecular consequence: missense variant.
Genome position (GRCh38, 1-based): chr5:112,840,503, G>T. VCF-style: chr5-112840503-G-T. GRCh37 (hg19) VCF-style: chr5-112176200-G-T.
Other names: c.4909G>T, p.Asp1637Tyr (NM_001127510.3, NM_001354895.2, NM_001407450.1); c.4855G>T, p.Asp1619Tyr (NM_001127511.3); c.4963G>T, p.Asp1655Tyr (NM_001354896.2, NM_001407447.1, NM_001407448.1 and 1 more transcripts); c.4939G>T, p.Asp1647Tyr (NM_001354897.2); c.4834G>T, p.Asp1612Tyr (NM_001354898.2); c.4825G>T, p.Asp1609Tyr (NM_001354899.2); c.4786G>T, p.Asp1596Tyr (NM_001354900.2); c.4732G>T, p.Asp1578Tyr (NM_001354901.2, NM_001407453.1); and 11 more; short protein forms D1253Y, D1619Y, D1637Y, D1596Y, D1612Y, D1354Y, D1511Y, D1536Y.
Identifiers: ClinVar variation 2036415 (VCV002036415.4), dbSNP rs1765803734, ClinGen allele CA16032086.

ClinVar aggregate classification (germline): Uncertain significance (1 of 4 stars; one submission).

Conditions:
Familial adenomatous polyposis 1 (FAP1). Also called: POLYPOSIS, ADENOMATOUS INTESTINAL; FAMILIAL ADENOMATOUS POLYPOSIS 1, ATTENUATED. Identifiers: MedGen C2713442, MONDO:0021056, OMIM 175100. Disease mechanism: loss of function.

Submission:

Labcorp Genetics (formerly Invitae), Labcorp
Classification: Uncertain significance for Familial adenomatous polyposis 1. Last evaluated: 2021-12-07. Review status: criteria provided, single submitter. Criteria: Invitae Variant Classification Sherloc (09022015). Collection method: clinical testing. Allele origin: germline.
Comment: This sequence change replaces aspartic acid, which is acidic and polar, with tyrosine, which is neutral and polar, at codon 1637 of the APC protein (p.Asp1637Tyr). This variant is not present in population databases (gnomAD no frequency). This variant has not been reported in the literature in individuals affected with APC-related conditions. Algorithms developed to predict the effect of missense changes on protein structure and function are either unavailable or do not agree on the potential impact of this missense change (SIFT: "Deleterious"; PolyPhen-2: "Probably Damaging"; Align-GVGD: "Class C15"). In summary, the available evidence is currently insufficient to determine the role of this variant in disease. Therefore, it has been classified as a Variant of Uncertain Significance.